The following is an entry in ClinVar:

ClinVar aggregate classification (germline): Likely pathogenic. Review status: criteria provided, single submitter (1 of 4 stars). 2 submissions from 2 submitters: Likely pathogenic (1). 1 of the submissions does not count toward it. Last evaluated 2022-06-09.

Conditions:
Congenital adrenal hypoplasia, X-linked (AHC). Also called: Isolated X-Linked Adrenal Hypoplasia Congenita; ADRENAL HYPOPLASIA, CONGENITAL, WITH HYPOGONADOTROPIC HYPOGONADISM; X-linked AHC; X-Linked Adrenal Hypoplasia Congenita. Identifiers: Orphanet 95702, MedGen C0342482, MONDO:0010264, OMIM 300200. Disease mechanism: loss of function.
46,XY sex reversal 2. Also called: Dosage-sensitive sex reversal; 46XY sex reversal 2, dosage-sensitive; 46,XY SEX REVERSAL, DAX1-RELATED; NR0B1-Related 46,XY CGD; NR0B1-related 46,XY complete gonadal dysgenesis. Identifiers: MedGen C1848296, MONDO:0010226, OMIM 300018.

Submissions (2):

Labcorp Genetics (formerly Invitae), Labcorp
Classification: Likely pathogenic for Congenital adrenal hypoplasia, X-linked; 46,XY sex reversal 2. Last evaluated: 2022-06-09. Review status: criteria provided, single submitter. Criteria: Invitae Variant Classification Sherloc (09022015). Collection method: clinical testing. Allele origin: germline.
Comment: This variant disrupts the p.Leu381Pro amino acid residue in NR0B1. Other variant(s) that disrupt this residue have been observed in individuals with NR0B1-related conditions (PMID: 11113848, 28546232), which suggests that this may be a clinically significant amino acid residue. Advanced modeling of protein sequence and biophysical properties (such as structural, functional, and spatial information, amino acid conservation, physicochemical variation, residue mobility, and thermodynamic stability) performed at Invitae indicates that this missense variant is expected to disrupt NR0B1 protein function. ClinVar contains an entry for this variant (Variation ID: 492856). This missense change has been observed in individual(s) with clinical features of congenital adrenal hypoplasia (PMID: 31263616). This variant is not present in population databases (gnomAD no frequency). This sequence change replaces leucine, which is neutral and non-polar, with proline, which is neutral and non-polar, at codon 381 of the NR0B1 protein (p.Leu381Pro). In summary, the currently available evidence indicates that the variant is pathogenic, but additional data are needed to prove that conclusively. Therefore, this variant has been classified as Likely Pathogenic.

Clinical Molecular Genetics Laboratory, Johns Hopkins All Children's Hospital
Classification: Pathogenic for Congenital adrenal hypoplasia, X-linked. Last evaluated: 2008-02-13. Review status: no assertion criteria provided. Collection method: clinical testing. Allele origin: germline. Affected: yes. Not counted in ClinVar's aggregate classification.

Literature cited by the submitters: PubMed 11113848 (cited by Labcorp Genetics (formerly Invitae), Labcorp); PubMed 28546232 (cited by Labcorp Genetics (formerly Invitae), Labcorp); PubMed 31263616 (cited by Labcorp Genetics (formerly Invitae), Labcorp).

NM_000475.5(NR0B1):c.1142T>C (p.Leu381Pro)

Gene: NR0B1 (nuclear receptor subfamily 0 group B member 1; minus strand). Cytogenetic location: Xp21.2.
Variant type: single nucleotide variant.
Coding change: c.1142T>C on transcript NM_000475.5 (MANE Select); coding-DNA position 1142, T replaced by C.
Protein change: p.Leu381Pro; replaces leucine 381 with proline.
Molecular consequence: missense variant.
Genome position (GRCh38, 1-based): chrX:30,308,222, A>G on the plus strand (T>C on the coding strand, the complement: NR0B1 is on the minus strand). VCF-style: chrX-30308222-A-G. GRCh37 (hg19) VCF-style: chrX-30326339-A-G.
Other names: short protein forms L381P.
Identifiers: ClinVar variation 492856 (VCV000492856.8), dbSNP rs104894899, ClinGen allele CA412546292.